The following is an entry in ClinVar:

ClinVar aggregate classification (germline): Uncertain significance. Review status: criteria provided, multiple submitters, no conflicts (2 of 4 stars). 2 submissions from 2 submitters: Uncertain significance (2). Last evaluated 2021-04-03.

Submissions (2):

Labcorp Genetics (formerly Invitae), Labcorp
Classification: Uncertain significance. Last evaluated: 2021-04-03. Review status: criteria provided, single submitter. Criteria: Invitae Variant Classification Sherloc (09022015). Collection method: clinical testing. Allele origin: germline.
Comment: This variant has not been reported in the literature in individuals with KMT2C-related conditions. This variant is not present in population databases (ExAC no frequency). This sequence change replaces cysteine with phenylalanine at codon 2909 of the KMT2C protein (p.Cys2909Phe). The cysteine residue is moderately conserved and there is a large physicochemical difference between cysteine and phenylalanine. Algorithms developed to predict the effect of missense changes on protein structure and function are either unavailable or do not agree on the potential impact of this missense change (SIFT: "Deleterious"; PolyPhen-2: "Probably Damaging"; Align-GVGD: "Class C0"). In summary, the available evidence is currently insufficient to determine the role of this variant in disease. Therefore, it has been classified as a Variant of Uncertain Significance.

GeneDx
Classification: Uncertain significance. Last evaluated: 2021-03-19. Review status: criteria provided, single submitter. Criteria: GeneDx Variant Classification Process June 2021. Collection method: clinical testing. Allele origin: germline. Affected: yes.
Comment: Not observed in large population cohorts (Lek et al., 2016); In silico analysis supports that this missense variant has a deleterious effect on protein structure/function; Has not been previously published as pathogenic or benign to our knowledge

NM_170606.3(KMT2C):c.8726G>T (p.Cys2909Phe)

Gene: KMT2C (lysine methyltransferase 2C; minus strand). Cytogenetic location: 7q36.1.
Variant type: single nucleotide variant.
Coding change: c.8726G>T on transcript NM_170606.3 (MANE Select); coding-DNA position 8726, G replaced by T.
Protein change: p.Cys2909Phe; replaces cysteine 2909 with phenylalanine.
Molecular consequence: missense variant.
Genome position (GRCh38, 1-based): chr7:152,176,727, C>A on the plus strand (G>T on the coding strand, the complement: KMT2C is on the minus strand). VCF-style: chr7-152176727-C-A. GRCh37 (hg19) VCF-style: chr7-151873812-C-A.
Other names: short protein forms C2909F.
Identifiers: ClinVar variation 1312633 (VCV001312633.9), dbSNP rs2129113531, ClinGen allele CA370077472.